The following is an entry in ClinVar:

ClinVar aggregate classification (germline): Uncertain significance (1 of 4 stars; one submission).

Conditions:
PRPH2-related disorder. Also called: PRPH2-related condition; PRPH2-related disorders. Identifiers: MedGen CN239395.

Allele frequency attached by ClinVar (database versions not stated): gnomAD 0.00001; ExAC 0.00002; 1000 Genomes Project 30x 0.00016; 1000 Genomes Project 0.00020; gnomAD exomes below 0.00001; TOPMed below 0.00001.
gnomAD v4.1: 6 of 1,614,140 alleles (0.00037%); highest among the groups gnomAD compares: African/African-American, 0.008%; no homozygotes.

Submission:

Labcorp Genetics (formerly Invitae), Labcorp
Classification: Uncertain significance for PRPH2-related disorder. Last evaluated: 2021-12-27. Review status: criteria provided, single submitter. Criteria: Invitae Variant Classification Sherloc (09022015). Collection method: clinical testing. Allele origin: germline.
Comment: In summary, the available evidence is currently insufficient to determine the role of this variant in disease. Therefore, it has been classified as a Variant of Uncertain Significance. Advanced modeling of protein sequence and biophysical properties (such as structural, functional, and spatial information, amino acid conservation, physicochemical variation, residue mobility, and thermodynamic stability) performed at Invitae indicates that this missense variant is expected to disrupt PRPH2 protein function. This variant has not been reported in the literature in individuals affected with PRPH2-related conditions. This variant is present in population databases (rs200876455, gnomAD 0.01%). This sequence change replaces phenylalanine, which is neutral and non-polar, with isoleucine, which is neutral and non-polar, at codon 171 of the PRPH2 protein (p.Phe171Ile).

NM_000322.5(PRPH2):c.511T>A (p.Phe171Ile)

Gene: PRPH2 (peripherin 2; minus strand). Cytogenetic location: 6p21.1.
Variant type: single nucleotide variant.
Coding change: c.511T>A on transcript NM_000322.5 (MANE Select); coding-DNA position 511, T replaced by A.
Protein change: p.Phe171Ile; replaces phenylalanine 171 with isoleucine.
Molecular consequence: missense variant.
Genome position (GRCh38, 1-based): chr6:42,721,824, A>T on the plus strand (T>A on the coding strand, the complement: PRPH2 is on the minus strand). VCF-style: chr6-42721824-A-T. GRCh37 (hg19) VCF-style: chr6-42689562-A-T.
Other names: short protein forms F171I.
Identifiers: ClinVar variation 1426286 (VCV001426286.6), dbSNP rs200876455, ClinGen allele CA3808600.